The following is an entry in ClinVar:

ClinVar aggregate classification (germline): Uncertain significance (1 of 4 stars; one submission).

Conditions:
Metachromatic leukodystrophy (MLD). Also called: Cerebral sclerosis diffuse metachromatic form; Arylsulfatase A Deficiency; METACHROMATIC LEUKOENCEPHALOPATHY; SULFATIDE LIPIDOSIS; ARSA DEFICIENCY; CEREBROSIDE SULFATASE DEFICIENCY. Identifiers: Orphanet 512, MedGen C0023522, MONDO:0018868, OMIM 250100.

Submission:

Labcorp Genetics (formerly Invitae), Labcorp
Classification: Uncertain significance for Metachromatic leukodystrophy. Last evaluated: 2023-05-22. Review status: criteria provided, single submitter. Criteria: Invitae Variant Classification Sherloc (09022015). Collection method: clinical testing. Allele origin: germline.
Comment: This variant is not present in population databases (gnomAD no frequency). This sequence change replaces alanine, which is neutral and non-polar, with valine, which is neutral and non-polar, at codon 207 of the ARSA protein (p.Ala207Val). This variant has not been reported in the literature in individuals affected with ARSA-related conditions. ClinVar contains an entry for this variant (Variation ID: 1416623). Advanced modeling of protein sequence and biophysical properties (such as structural, functional, and spatial information, amino acid conservation, physicochemical variation, residue mobility, and thermodynamic stability) performed at Invitae indicates that this missense variant is expected to disrupt ARSA protein function. In summary, the available evidence is currently insufficient to determine the role of this variant in disease. Therefore, it has been classified as a Variant of Uncertain Significance.

NM_000487.6(ARSA):c.620C>T (p.Ala207Val)

Gene: ARSA (arylsulfatase A; minus strand). Cytogenetic location: 22q13.33.
Variant type: single nucleotide variant.
Coding change: c.620C>T on transcript NM_000487.6 (MANE Select); coding-DNA position 620, C replaced by T.
Protein change: p.Ala207Val; replaces alanine 207 with valine.
Molecular consequence: missense variant.
Genome position (GRCh38, 1-based): chr22:50,626,898, G>A on the plus strand (C>T on the coding strand, the complement: ARSA is on the minus strand). VCF-style: chr22-50626898-G-A. GRCh37 (hg19) VCF-style: chr22-51065326-G-A.
Other names: c.620C>T, p.Ala207Val (NM_001085425.3, NM_001085426.3, NM_001085427.3); c.362C>T, p.Ala121Val (NM_001085428.3, NM_001362782.2); short protein forms A207V, A121V.
Identifiers: ClinVar variation 1416623 (VCV001416623.6), dbSNP rs759098239, ClinGen allele CA412177266.
Genomic context (GRCh38, chr22:50,626,898, plus strand): 5'-GAGGCATAGTACAGGAAGAAGGGGCGATCCTGGCGCTGGGCGTCGGCCATGAGGTCATGG[G>A]CGAAAGCCATGTAGCGGGCCTCTAGTCCGGGCAGCCAGGGGGGCTGCGCCTCCACGGACA-3'
Protein context (NP_000478.3, residues 197-217): PGLEARYMAF[Ala207Val]HDLMADAQRQ